The following is an entry in ClinVar:

ClinVar aggregate classification (germline): Pathogenic. Review status: criteria provided, multiple submitters, no conflicts (2 of 4 stars). 2 submissions from 2 submitters: Pathogenic (2). Last evaluated 2023-06-29.

Conditions:
Autosomal dominant spastic paraplegia type 9. Identifiers: MedGen C1832669, MONDO:0015091.
de Barsy syndrome. Also called: Cutis laxa-corneal clouding-oligophrenia syndrome. Identifiers: Orphanet 2962, MedGen C0268354, MONDO:0017569.
Cutis laxa, autosomal dominant 3 (ADCL3). Identifiers: Orphanet 90348, MedGen C4225268, MONDO:0014706, OMIM 616603.

Allele frequency attached by ClinVar (database versions not stated): ExAC 0.00001; gnomAD exomes 0.00001.
gnomAD v4.1: 6 of 1,614,068 alleles (0.00037%); highest among the groups gnomAD compares: Non-Finnish European, 0.00042%; no homozygotes.

Submissions (2):

Labcorp Genetics (formerly Invitae), Labcorp
Classification: Pathogenic for Autosomal dominant spastic paraplegia type 9; de Barsy syndrome; Cutis laxa, autosomal dominant 3. Last evaluated: 2023-06-29. Review status: criteria provided, single submitter. Criteria: Invitae Variant Classification Sherloc (09022015). Collection method: clinical testing. Allele origin: germline.
Comment: This sequence change creates a premature translational stop signal (p.Arg252*) in the ALDH18A1 gene. It is expected to result in an absent or disrupted protein product. Loss-of-function variants in ALDH18A1 are known to be pathogenic (PMID: 21739576, 24913064, 28567303, 28604674, 29915212). This variant is present in population databases (rs758543218, gnomAD 0.004%). This variant has not been reported in the literature in individuals affected with ALDH18A1-related conditions. ClinVar contains an entry for this variant (Variation ID: 392664). Algorithms developed to predict the effect of sequence changes on RNA splicing suggest that this variant may disrupt the consensus splice site. For these reasons, this variant has been classified as Pathogenic.

GeneDx
Classification: Pathogenic. Last evaluated: 2023-04-06. Review status: criteria provided, single submitter. Criteria: GeneDx Variant Classification Process June 2021. Collection method: clinical testing. Allele origin: germline. Affected: yes.
Comment: Nonsense variant predicted to result in protein truncation or nonsense mediated decay in a gene for which loss-of-function is a known mechanism of disease; Not observed at a significant frequency in large population cohorts (gnomAD); Has not been previously published as pathogenic or benign to our knowledge

Literature cited by the submitters: PubMed 21739576 (cited by Labcorp Genetics (formerly Invitae), Labcorp); PubMed 24913064 (cited by Labcorp Genetics (formerly Invitae), Labcorp); PubMed 28567303 (cited by Labcorp Genetics (formerly Invitae), Labcorp); PubMed 28604674 (cited by Labcorp Genetics (formerly Invitae), Labcorp); PubMed 29915212 (cited by Labcorp Genetics (formerly Invitae), Labcorp).

NM_002860.4(ALDH18A1):c.754C>T (p.Arg252Ter)

Gene: ALDH18A1 (aldehyde dehydrogenase 18 family member A1; minus strand). Cytogenetic location: 10q24.1.
Variant type: single nucleotide variant.
Coding change: c.754C>T on transcript NM_002860.4 (MANE Select); coding-DNA position 754, C replaced by T.
Protein change: p.Arg252Ter; replaces arginine 252 with a stop codon.
Molecular consequence: nonsense.
Genome position (GRCh38, 1-based): chr10:95,633,013, G>A on the plus strand (C>T on the coding strand, the complement: ALDH18A1 is on the minus strand). VCF-style: chr10-95633013-G-A. GRCh37 (hg19) VCF-style: chr10-97392770-G-A.
Other names: c.748C>T, p.Arg250Ter (NM_001017423.2, NM_001323415.2); c.421C>T, p.Arg141Ter (NM_001323412.2, NM_001323416.2); c.754C>T, p.Arg252Ter (NM_001323413.2, NM_001323414.2); c.649C>T, p.Arg217Ter (NM_001323417.2); c.415C>T, p.Arg139Ter (NM_001323418.2); c.118C>T, p.Arg40Ter (NM_001323419.2); short protein forms R252*, R217*, R139*, R250*, R40*, R141*.
Identifiers: ClinVar variation 392664 (VCV000392664.8), dbSNP rs758543218, ClinGen allele CA5620528.